The following is an entry in ClinVar:

NM_000939.4(POMC):c.112A>T (p.Thr38Ser)

Gene: POMC (proopiomelanocortin; minus strand). Cytogenetic location: 2p23.3.
Variant type: single nucleotide variant.
Coding change: c.112A>T on transcript NM_000939.4 (MANE Select); coding-DNA position 112, A replaced by T.
Protein change: p.Thr38Ser; replaces threonine 38 with serine.
Molecular consequence: missense variant.
Genome position (GRCh38, 1-based): chr2:25,164,661, T>A on the plus strand (A>T on the coding strand, the complement: POMC is on the minus strand). VCF-style: chr2-25164661-T-A. GRCh37 (hg19) VCF-style: chr2-25387530-T-A.
Other names: c.112A>T, p.Thr38Ser (NM_001035256.3, NM_001319204.2, NM_001319205.2); short protein forms T38S.
Identifiers: ClinVar variation 2631961 (VCV002631961.3), dbSNP rs763531551, ClinGen allele CA1555402.

ClinVar aggregate classification (germline): Uncertain significance (1 of 4 stars; one submission).

Conditions:
POMC-related disorder. Also called: POMC-related condition; POMC-related disorders.

Allele frequency attached by ClinVar (database versions not stated): gnomAD exomes 0.00002; ExAC 0.00003.
gnomAD v4.1: 9 of 1,614,156 alleles (0.00056%); highest among the groups gnomAD compares: Admixed American, 0.015%; no homozygotes.

Submission:

PreventionGenetics, part of Exact Sciences
Classification: Uncertain significance for POMC-related condition. Last evaluated: 2025-05-29. Review status: criteria provided, single submitter. Criteria: ACMG Guidelines, 2015. Collection method: clinical testing. Allele origin: germline.
Comment: The POMC c.112A>T variant is predicted to result in the amino acid substitution p.Thr38Ser. This variant was observed in a cohort of individuals with obesity, and in vitro functional studies showed this variant did not reduce protein function and could cause increased function (Supplemental Data Set 3, Shah et al. 2023. PubMed ID: 36864747). This variant is reported in 0.026% of alleles in individuals of Latino descent in gnomAD. At this time, the clinical significance of this variant is uncertain due to the absence of conclusive functional and genetic evidence.